The following is an entry in ClinVar:

ClinVar aggregate classification (germline): Uncertain significance (1 of 4 stars; one submission).

Conditions:
Inborn genetic diseases. Identifiers: MedGen C0950123, MeSH D030342.

Allele frequency attached by ClinVar (database versions not stated): TOPMed below 0.00001.
gnomAD v4.1: 1 of 1,596,894 alleles (0.000063%); highest among the groups gnomAD compares: Non-Finnish European, 0.000085%; no homozygotes.

Submission:

Ambry Genetics
Classification: Uncertain significance for Inborn genetic diseases. Last evaluated: 2020-11-02. Review status: criteria provided, single submitter. Criteria: Ambry Variant Classification Scheme 2023. Collection method: clinical testing. Allele origin: germline.
Comment: The p.L178V variant (also known as c.532C>G), located in coding exon 8 of the DCTN1 gene, results from a C to G substitution at nucleotide position 532. The leucine at codon 178 is replaced by valine, an amino acid with highly similar properties. This amino acid position is not well conserved in available vertebrate species. In addition, this alteration is predicted to be tolerated by in silico analysis. Since supporting evidence is limited at this time, the clinical significance of this alteration remains unclear.

NM_004082.5(DCTN1):c.532C>G (p.Leu178Val)

Gene: DCTN1 (dynactin subunit 1; minus strand). Cytogenetic location: 2p13.1.
Variant type: single nucleotide variant.
Coding change: c.532C>G on transcript NM_004082.5 (MANE Select); coding-DNA position 532, C replaced by G.
Protein change: p.Leu178Val; replaces leucine 178 with valine.
Molecular consequence: missense variant. On other transcripts: non-coding transcript variant (1).
Genome position (GRCh38, 1-based): chr2:74,371,650, G>C on the plus strand (C>G on the coding strand, the complement: DCTN1 is on the minus strand). VCF-style: chr2-74371650-G-C. GRCh37 (hg19) VCF-style: chr2-74598777-G-C.
Other names: c.472C>G, p.Leu158Val (NM_001135040.3); c.130C>G, p.Leu44Val (NM_001135041.3, NM_023019.4); c.421C>G, p.Leu141Val (NM_001190836.2); c.511C>G, p.Leu171Val (NM_001190837.2); c.481C>G, p.Leu161Val (NM_001378991.1); c.463C>G, p.Leu155Val (NM_001378992.1); short protein forms L155V, L158V, L161V, L171V, L44V, L141V, L178V.
Identifiers: ClinVar variation 1746864 (VCV001746864.2), dbSNP rs1674863938, ClinGen allele CA347367464.